The following is an entry in ClinVar:

NM_032578.4(MYPN):c.3853G>A (p.Gly1285Arg)

Gene: MYPN (myopalladin; plus strand). Cytogenetic location: 10q21.3.
Variant type: single nucleotide variant.
Coding change: c.3853G>A on transcript NM_032578.4 (MANE Select); coding-DNA position 3853, G replaced by A.
Protein change: p.Gly1285Arg; replaces glycine 1285 with arginine.
Molecular consequence: missense variant. On other transcripts: non-coding transcript variant (2).
Genome position (GRCh38, 1-based): chr10:68,210,345, G>A. VCF-style: chr10-68210345-G-A. GRCh37 (hg19) VCF-style: chr10-69970102-G-A.
Other names: c.3853G>A (NM_032578.2); c.3853G>A, p.Gly1285Arg (NM_001256267.2); c.2971G>A, p.Gly991Arg (NM_001256268.2); short protein forms G1285R, G991R.
Identifiers: ClinVar variation 582566 (VCV000582566.18), dbSNP rs750277122, ClinGen allele CA5523179.
Genomic context (GRCh38, chr10:68,210,345, plus strand): 5'-GCTCAGTGGCACCATCAGATCCCACCGCCCATGTCTGTCCGGCCCAGTGGCAGTCGCTAC[G>A]GATCTCTCACCAGTAAAGGACTTGACATATTTTCTGCCTTTTCCTCCATGGAAAGCACGA-3'
Protein context (NP_115967.2, residues 1275-1295): MSVRPSGSRY[Gly1285Arg]SLTSKGLDIF

ClinVar aggregate classification (germline): Uncertain significance. Review status: criteria provided, multiple submitters, no conflicts (2 of 4 stars). 7 submissions from 7 submitters: Uncertain significance (4). 3 of the submissions do not count toward it. Last evaluated 2026-08-13.

Conditions:
MYPN-related disorder. Also called: MYPN-related condition.
MYPN-related myopathy (CMYO24). Also called: Nemaline myopathy 11, autosomal recessive. Identifiers: MedGen C4479186, MONDO:0015023, OMIM 617336.
Dilated cardiomyopathy 1KK (CMD1KK). Identifiers: Orphanet 154, Orphanet 75249, MedGen C3714995, MONDO:0014100, OMIM 615248.
Cardiovascular phenotype. Identifiers: MedGen CN230736.

Allele frequency attached by ClinVar (database versions not stated): gnomAD 0.00001; gnomAD exomes 0.00001; ExAC 0.00002; TOPMed 0.00002.
gnomAD v4.1: 13 of 1,613,926 alleles (0.00081%); highest among the groups gnomAD compares: Middle Eastern, 0.066%; no homozygotes.

Submissions (7):

PreventionGenetics, part of Exact Sciences
Classification: Uncertain significance for MYPN-related condition. Last evaluated: 2026-08-13. Review status: criteria provided, single submitter. Criteria: ACMG Guidelines, 2015. Collection method: clinical testing. Allele origin: germline.
Comment: The MYPN c.3853G>A variant is predicted to result in the amino acid substitution p.Gly1285Arg. To our knowledge, this variant has not been reported in the literature. This variant is reported in 0.0054% of alleles in individuals of East Asian descent in gnomAD. At this time, the clinical significance of this variant is uncertain due to the absence of conclusive functional and genetic evidence.

Labcorp Genetics (formerly Invitae), Labcorp
Classification: Uncertain significance for Dilated cardiomyopathy 1KK. Last evaluated: 2024-08-19. Review status: criteria provided, single submitter. Criteria: Invitae Variant Classification Sherloc (09022015). Collection method: clinical testing. Allele origin: germline.
Comment: This sequence change replaces glycine, which is neutral and non-polar, with arginine, which is basic and polar, at codon 1285 of the MYPN protein (p.Gly1285Arg). This variant is present in population databases (rs750277122, gnomAD 0.006%). This variant has not been reported in the literature in individuals affected with MYPN-related conditions. ClinVar contains an entry for this variant (Variation ID: 582566). An algorithm developed to predict the effect of missense changes on protein structure and function (PolyPhen-2) suggests that this variant is likely to be disruptive. In summary, the available evidence is currently insufficient to determine the role of this variant in disease. Therefore, it has been classified as a Variant of Uncertain Significance.

Ambry Genetics
Classification: Uncertain significance for Cardiovascular phenotype. Last evaluated: 2023-01-01. Review status: criteria provided, single submitter. Criteria: Ambry Variant Classification Scheme 2023. Collection method: clinical testing. Allele origin: germline.
Comment: The p.G1285R variant (also known as c.3853G>A), located in coding exon 19 of the MYPN gene, results from a G to A substitution at nucleotide position 3853. The glycine at codon 1285 is replaced by arginine, an amino acid with dissimilar properties. This amino acid position is conserved. In addition, this alteration is predicted to be tolerated by in silico analysis. Since supporting evidence is limited at this time, the clinical significance of this alteration remains unclear.

Fulgent Genetics
Classification: Uncertain significance for Dilated cardiomyopathy 1KK; MYPN-related myopathy. Last evaluated: 2021-08-20. Review status: criteria provided, single submitter. Criteria: ACMG Guidelines, 2015. Collection method: clinical testing. Allele origin: unknown.

Clinical Genetics DNA and cytogenetics Diagnostics Lab, Erasmus MC, Erasmus Medical Center
Classification: Uncertain significance. Review status: no assertion criteria provided. Collection method: clinical testing. Allele origin: germline. Affected: yes. Study: VKGL Data-share Consensus. Not counted in ClinVar's aggregate classification.

Diagnostic Laboratory, Department of Genetics, University Medical Center Groningen
Classification: Uncertain significance. Review status: no assertion criteria provided. Collection method: clinical testing. Allele origin: germline. Affected: yes. Study: VKGL Data-share Consensus. Not counted in ClinVar's aggregate classification.

Joint Genome Diagnostic Labs from Nijmegen and Maastricht, Radboudumc and MUMC+
Classification: Uncertain significance. Review status: no assertion criteria provided. Collection method: clinical testing. Allele origin: germline. Affected: yes. Study: VKGL Data-share Consensus. Not counted in ClinVar's aggregate classification.